The following is an entry in ClinVar:

ClinVar aggregate classification (germline): Benign. Review status: criteria provided, multiple submitters, no conflicts (2 of 4 stars). 2 submissions from 2 submitters: Benign (2). Last evaluated 2018-06-14.

Allele frequency attached by ClinVar (database versions not stated): 1000 Genomes Project 30x 0.24532; 1000 Genomes Project 0.24681; TOPMed 0.25823; gnomAD exomes 0.27519.
gnomAD v4.1: 170,486 of 627,484 alleles (27%); highest among the groups gnomAD compares: East Asian, 40%; 24,059 homozygotes.

Submissions (2):

GeneDx
Classification: Benign. Last evaluated: 2018-06-14. Review status: criteria provided, single submitter. Criteria: GeneDx Variant Classification (06012015). Collection method: clinical testing. Allele origin: germline. Affected: yes.
Comment: This variant is considered likely benign or benign based on one or more of the following criteria: it is a conservative change, it occurs at a poorly conserved position in the protein, it is predicted to be benign by multiple in silico algorithms, and/or has population frequency not consistent with disease.

Breakthrough Genomics
Classification: Benign. Review status: criteria provided, single submitter. Criteria: ACMG Guidelines, 2015. Collection method: not provided. Allele origin: germline. Inheritance: Autosomal dominant inheritance. Affected: yes.

NM_001083962.2(TCF4):c.1650-202C>T

Gene: TCF4 (transcription factor 4; minus strand). Cytogenetic location: 18q21.2.
Variant type: single nucleotide variant.
Coding change: c.1650-202C>T on transcript NM_001083962.2 (MANE Select); 202 bases into the intron before coding-DNA position 1650, C replaced by T.
Molecular consequence: intron variant.
Genome position (GRCh38, 1-based): chr18:55,229,278, G>A on the plus strand (C>T on the coding strand, the complement: TCF4 is on the minus strand). VCF-style: chr18-55229278-G-A. GRCh37 (hg19) VCF-style: chr18-52896509-G-A.
Other names: c.1956-202C>T (NM_001243226.3); c.1563-202C>T (NM_001369584.1, NM_001369585.1, NM_001348220.1); c.1575-202C>T (NM_001369576.1, NM_001369577.1, NM_001369578.1 and 3 more transcripts); c.1566-202C>T (NM_001369582.1, NM_001369583.1, NM_001348219.2 and 1 more transcripts); c.1578-202C>T (NM_001243227.2, NM_001369575.1, NM_001348218.2 and 1 more transcripts); c.1581-202C>T (NM_001369586.1); c.1638-202C>T (NM_001369571.1, NM_001369572.1, NM_003199.3); c.1650-202C>T (NM_001369567.1, NM_001369568.1); and 14 more.
Identifiers: ClinVar variation 670704 (VCV000670704.2), dbSNP rs2276195, ClinGen allele CA14575054.